The following is an entry in ClinVar:

NM_000393.5(COL5A2):c.2661+17_2661+20delinsCTTGAGTCAAGTTAA

Gene: COL5A2 (collagen type V alpha 2 chain; minus strand). Cytogenetic location: 2q32.2.
Variant type: Indel.
Coding change: c.2661+17_2661+20delinsCTTGAGTCAAGTTAA on transcript NM_000393.5 (MANE Select); bases 17 to 20 of the intron after coding-DNA position 2661, AAGG replaced by CTTGAGTCAAGTTAA.
Molecular consequence: intron variant.
Genome position (GRCh38, 1-based): chr2:189,052,891-189,052,894, CCTT replaced by TTAACTTGACTCAAG on the plus strand (AAGG replaced by CTTGAGTCAAGTTAA on the coding strand, the reverse complement: COL5A2 is on the minus strand). VCF-style: chr2-189052891-CCTT-TTAACTTGACTCAAG. GRCh37 (hg19) VCF-style: chr2-189917617-CCTT-TTAACTTGACTCAAG.
Identifiers: ClinVar variation 2866374 (VCV002866374.2), dbSNP rs2469261519, ClinGen allele CA2739278112.

ClinVar aggregate classification (germline): Uncertain significance (1 of 4 stars; one submission).

Conditions:
Ehlers-Danlos syndrome, classic type, 1 (EDSCL1). Also called: EHLERS-DANLOS SYNDROME, GRAVIS TYPE; EHLERS-DANLOS SYNDROME, SEVERE CLASSIC TYPE; Ehlers-Danlos syndrome, type 1; Ehlers-Danlos Syndrome, Classic Type, COL5A1-Related; EDS I. Identifiers: MedGen C0268335, MONDO:0019567, OMIM 130000.

Submission:

Labcorp Genetics (formerly Invitae), Labcorp
Classification: Uncertain significance for Ehlers-Danlos syndrome, classic type, 1. Last evaluated: 2024-12-27. Review status: criteria provided, single submitter. Criteria: Invitae Variant Classification Sherloc (09022015). Collection method: clinical testing. Allele origin: germline.
Comment: This sequence change falls in intron 39 of the COL5A2 gene. It does not directly change the encoded amino acid sequence of the COL5A2 protein. This variant is not present in population databases (gnomAD no frequency). This variant has not been reported in the literature in individuals affected with COL5A2-related conditions. Experimental studies and prediction algorithms are not available or were not evaluated, and the effect of this variant on mRNA splicing is currently unknown. In summary, the available evidence is currently insufficient to determine the role of this variant in disease. Therefore, it has been classified as a Variant of Uncertain Significance.